The following is an entry in ClinVar:

NM_152295.5(TARS1):c.330-5_330-4del

Gene: TARS1 (threonyl-tRNA synthetase 1; plus strand). Cytogenetic location: 5p13.3.
Variant type: Deletion.
Coding change: c.330-5_330-4del on transcript NM_152295.5 (MANE Select); 5 bases into the intron before coding-DNA position 330 through 4 bases into the intron before coding-DNA position 330, 2 bases deleted (TT; older notation c.330-5_330-4delTT).
Molecular consequence: intron variant.
Genome position (GRCh38, 1-based): chr5:33,453,284-33,453,285, TT deleted; deleting any 2 consecutive bases within chr5:33,453,264-33,453,285 gives the same sequence; the c. name uses the placement nearest the transcript's 3' end. VCF-style (leftmost placement, unchanged base first): chr5-33453263-CTT-C. GRCh37 (hg19) VCF-style: chr5-33453368-CTT-C.
Other names: NC_000005.9:g.33453389_33453390del; c.330-5_330-4del (NM_001258437.1); c.429-5_429-4del (NM_001258438.2).
Identifiers: ClinVar variation 3055549 (VCV003055549.3), dbSNP rs35931457, ClinGen allele CA3222991.

ClinVar aggregate classification (germline): Likely benign (0 of 4 stars; one submission).

Conditions:
TARS1-related disorder. Also called: TARS1-related condition.

Submissions (3):

PreventionGenetics, part of Exact Sciences
Classification: Likely benign for TARS1-related condition. Last evaluated: 2020-02-20. Review status: no assertion criteria provided. Collection method: clinical testing. Allele origin: germline.
Comment: This variant is classified as likely benign based on ACMG/AMP sequence variant interpretation guidelines (Richards et al. 2015 PMID: 25741868, with internal and published modifications).

Dr. Peter K. Rogan Lab, Western University
No classification provided (evidence only). Condition: Familial cancer of breast. Review status: no classification provided. Collection method: in vitro. Allele origin: not applicable. Functional consequence: retained intron. Not counted in ClinVar's aggregate classification.

Dr. Peter K. Rogan Lab, Western University
No classification provided (evidence only). Condition: Colon adenocarcinoma. Review status: no classification provided. Collection method: in vitro. Allele origin: not applicable. Functional consequence: retained intron. Not counted in ClinVar's aggregate classification.